The following is an entry in ClinVar:

NM_000548.5(TSC2):c.2620C>T (p.Pro874Ser)

Gene: TSC2 (TSC complex subunit 2; plus strand). Cytogenetic location: 16p13.3.
Variant type: single nucleotide variant.
Coding change: c.2620C>T on transcript NM_000548.5 (MANE Select); coding-DNA position 2620, C replaced by T.
Protein change: p.Pro874Ser; replaces proline 874 with serine.
Molecular consequence: missense variant. On other transcripts: non-coding transcript variant (5).
Genome position (GRCh38, 1-based): chr16:2,075,873, C>T. VCF-style: chr16-2075873-C-T. GRCh37 (hg19) VCF-style: chr16-2125874-C-T.
Other names: c.1276C>T, p.Pro426Ser (NM_001406696.1, NM_001406697.1, NM_001406689.1 and 6 more transcripts); c.1018C>T, p.Pro340Ser (NM_001406698.1); c.2620C>T, p.Pro874Ser (NM_021055.3, NM_001077183.3, NM_001114382.3 and 6 more transcripts); c.2509C>T, p.Pro837Ser (NM_001318827.2, NM_001406678.1, NM_001406670.1); c.2473C>T, p.Pro825Ser (NM_001318829.2, NM_001406679.1, NM_001406675.1 and 1 more transcripts); c.2020C>T, p.Pro674Ser (NM_001318831.2, NM_001406680.1, NM_001406682.1 and 6 more transcripts); c.2653C>T, p.Pro885Ser (NM_001318832.2); c.2563C>T, p.Pro855Ser (NM_001406677.1); and 3 more; short protein forms P340S, P426S, P674S, P885S, P720S, P837S, P855S, P904S.
Identifiers: ClinVar variation 4556934 (VCV004556934.2).

ClinVar aggregate classification (germline): Uncertain significance (1 of 4 stars; one submission).

Conditions:
Hereditary cancer-predisposing syndrome. Also called: Neoplastic Syndromes, Hereditary; Tumor predisposition; Hereditary Cancer Syndrome; Hereditary neoplastic syndrome. Identifiers: Orphanet 140162, MedGen C0027672, MeSH D009386, MONDO:0015356.

Submission:

Ambry Genetics
Classification: Uncertain significance for Hereditary cancer-predisposing syndrome. Last evaluated: 2026-07-29. Review status: criteria provided, single submitter. Criteria: Ambry Variant Classification Scheme 2023. Collection method: clinical testing. Allele origin: germline.
Comment: The p.P874S variant (also known as c.2620C>T), located in coding exon 22 of the TSC2 gene, results from a C to T substitution at nucleotide position 2620. The proline at codon 874 is replaced by serine, an amino acid with similar properties. This amino acid position is conserved. In addition, this alteration is predicted to be deleterious by in silico analysis. Based on the available evidence, the clinical significance of this variant remains unclear.